The following is an entry in ClinVar:

ClinVar aggregate classification (germline): Conflicting classifications of pathogenicity. Review status: criteria provided, conflicting classifications (1 of 4 stars). 4 submissions from 4 submitters: Uncertain significance (3); Benign (1). Last evaluated 2025-12-17.

Conditions:
Heterotopia, periventricular, X-linked dominant (PVNH1). Also called: PERIVENTRICULAR NODULAR HETEROTOPIA 4; HETEROTOPIA, PERIVENTRICULAR, 1; PERIVENTRICULAR NODULAR HETEROTOPIA 1; X-linked periventricular heterotopia. Identifiers: Orphanet 2149, Orphanet 82004, MedGen C1848213, MONDO:0010233, OMIM 300049.
Oto-palato-digital syndrome, type II (OPD2). Also called: Otopalatodigital Syndrome, Type II; Otopalatodigital Syndrome Type 2 (FLNA-OPD2); FACIOPALATOOSSEOUS SYNDROME; OPD II SYNDROME. Identifiers: Orphanet 669, Orphanet 90652, MedGen C1844696, MONDO:0010571, OMIM 304120.
Frontometaphyseal dysplasia (FMD1). Identifiers: Orphanet 1826, MedGen C0265293, MONDO:0015942.
Melnick-Needles syndrome (MNS). Also called: Melnick-Needles Syndrome (FLNA-MNS); MELNICK-NEEDLES OSTEODYSPLASTY; OSTEODYSPLASTY OF MELNICK AND NEEDLES. Identifiers: Orphanet 2484, MedGen C0025237, MONDO:0010650, OMIM 309350.
Intestinal pseudoobstruction, neuronal, chronic idiopathic, X-linked (CIIPX). Also called: FLNA-Related Periventricular Nodular Heterotopia (FLNA-Related PVNH; Huttenlocher Syndrome); CONGENITAL IDIOPATHIC INTESTINAL PSEUDOOBSTRUCTION; INTESTINAL PSEUDOOBSTRUCTION, NEURONAL, CHRONIC IDIOPATHIC, WITH CENTRAL NERVOUS SYSTEM INVOLVEMENT. Identifiers: Orphanet 2301, MedGen C2746068, MONDO:0010232, OMIM 300048.
Oto-palato-digital syndrome, type I (OPD1). Also called: Taybi syndrome; Otopalatodigital Syndrome, Type I; Otopalatodigital Syndrome Type 1 (FLNA-OPD1); OPD I SYNDROME; OPD SYNDROME 1. Identifiers: Orphanet 669, Orphanet 90650, MedGen C0265251, MONDO:0010704, OMIM 311300.
Cardiac valvular dysplasia, X-linked (CVDPX). Also called: FLNA-Related X-linked Cardiac Valvular Dysplasia; Isolated X-Linked Cardiac Valvular Dysplasia; MYXOMATOUS VALVULAR DYSTROPHY, X-LINKED; VALVULAR HEART DISEASE, CONGENITAL; Congenital valvular dysplasia. Identifiers: Orphanet 1864, Orphanet 555877, Orphanet 75497, MedGen C0262436, MONDO:0010753, OMIM 314400.
Terminal osseous dysplasia-pigmentary defects syndrome. Also called: Terminal Osseous Dysplasia (FLNA-TOD); ODPF SYNDROME; OSSEOUS DYSPLASIA, DIGITAL, WITH FACIAL PIGMENTARY DEFECTS AND MULTIPLE FRENULA; ODPD; TERMINAL OSSEOUS DYSPLASIA AND PIGMENTARY DEFECTS. Identifiers: Orphanet 88630, MedGen C1846129, MONDO:0010279, OMIM 300244.
Frontometaphyseal dysplasia 1 (FMD1). Also called: Frontometaphyseal Dysplasia (FLNA-FMD). Identifiers: Orphanet 1826, MedGen C4281559, MONDO:0024550, OMIM 305620.
FG syndrome 2 (FGS2). Identifiers: MedGen C1845902, MONDO:0010297, OMIM 300321.
Familial thoracic aortic aneurysm and aortic dissection (TAAD). Also called: Thoracic aortic aneurysms and dissections. Identifiers: Orphanet 91387, MedGen C4707243, MONDO:0019625.

Allele frequency attached by ClinVar (database versions not stated): gnomAD exomes below 0.00001 and 0.00002; ExAC 0.00001; gnomAD 0.00001; TOPMed 0.00001.
gnomAD v4.1: 6 of 1,210,093 alleles (0.0005%); highest among the groups gnomAD compares: Middle Eastern, 0.024%; no homozygotes.

Submissions (4):

Labcorp Genetics (formerly Invitae), Labcorp
Classification: Benign for Oto-palato-digital syndrome, type II; Heterotopia, periventricular, X-linked dominant; Frontometaphyseal dysplasia; Melnick-Needles syndrome. Last evaluated: 2025-12-17. Review status: criteria provided, single submitter. Criteria: Invitae Variant Classification Sherloc (09022015). Collection method: clinical testing. Allele origin: germline.

Ambry Genetics
Classification: Uncertain significance for Familial thoracic aortic aneurysm and aortic dissection. Last evaluated: 2021-03-30. Review status: criteria provided, single submitter. Criteria: Ambry Variant Classification Scheme 2023. Collection method: clinical testing. Allele origin: germline.
Comment: The p.R2234Q variant (also known as c.6701G>A), located in coding exon 39 of the FLNA gene, results from a G to A substitution at nucleotide position 6701. The arginine at codon 2234 is replaced by glutamine, an amino acid with highly similar properties. Based on data from gnomAD, the A allele has an overall frequency of 0.002% (3/178731) total alleles studied, with 1 hemizygote(s) observed. The highest observed frequency was 0.01% (2/13480) of East Asian alleles. This amino acid position is highly conserved in available vertebrate species. In addition, this alteration is predicted to be deleterious by in silico analysis. Since supporting evidence is limited at this time, the clinical significance of this alteration remains unclear.

Fulgent Genetics
Classification: Uncertain significance for Intestinal pseudoobstruction, neuronal, chronic idiopathic, X-linked; Heterotopia, periventricular, X-linked dominant; Terminal osseous dysplasia-pigmentary defects syndrome; FG syndrome 2; Oto-palato-digital syndrome, type II; Frontometaphyseal dysplasia 1; Melnick-Needles syndrome; Oto-palato-digital syndrome, type I; Cardiac valvular dysplasia, X-linked. Last evaluated: 2018-10-31. Review status: criteria provided, single submitter. Criteria: ACMG Guidelines, 2015. Collection method: clinical testing. Allele origin: unknown.

Genetic Services Laboratory, University of Chicago
Classification: Uncertain significance. Last evaluated: 2016-03-21. Review status: criteria provided, single submitter. Criteria: ACMG Guidelines, 2015. Collection method: clinical testing. Allele origin: germline. Affected: no.

NM_001110556.2(FLNA):c.6725G>A (p.Arg2242Gln)

Gene: FLNA (filamin A; minus strand). Cytogenetic location: Xq28.
Variant type: single nucleotide variant.
Coding change: c.6725G>A on transcript NM_001110556.2 (MANE Select); coding-DNA position 6725, G replaced by A.
Protein change: p.Arg2242Gln; replaces arginine 2242 with glutamine.
Molecular consequence: missense variant.
Genome position (GRCh38, 1-based): chrX:154,352,225, C>T on the plus strand (G>A on the coding strand, the complement: FLNA is on the minus strand). VCF-style: chrX-154352225-C-T. GRCh37 (hg19) VCF-style: chrX-153580593-C-T.
Other names: c.6701G>A, p.Arg2234Gln (NM_001456.4); short protein forms R2234Q, R2242Q.
Identifiers: ClinVar variation 435203 (VCV000435203.15), dbSNP rs781984274, ClinGen allele CA10560049.
Genomic context (GRCh38, chrX:154,352,225, plus strand): 5'-GTGTGAGCAGGCCTACCTGGCACTCCAGCTTCAGCTCTCTCCAGGCCAGGGCCCCCAGCT[C>T]GGACCTTGTGGGCTCCCCCTTCCCCTAGGGGCCCCACGGTGAACTGGAAGGGGCTCCCAG-3'
Protein context (NP_001104026.1, residues 2232-2252): PLGEGGAHKV[Arg2242Gln]AGGPGLERAE